The following is an entry in ClinVar:

ClinVar aggregate classification (germline): Pathogenic (1 of 4 stars; one submission).

Conditions:
Osteogenesis imperfecta (OI). Identifiers: Orphanet 666, MedGen C0029434, MeSH D010013, MONDO:0019019.

Submission:

Women's Health and Genetics/Laboratory Corporation of America, LabCorp
Classification: Pathogenic for Osteogenesis imperfecta. Last evaluated: 2026-06-22. Review status: criteria provided, single submitter. Criteria: LabCorp Variant Classification Summary - May 2015. Collection method: clinical testing. Allele origin: germline.
Comment: Variant summary: WNT1 c.662_663dupAC (p.Gly222ThrfsX172) causes a frameshift which results in an extension of the protein. The variant was absent in 245590 control chromosomes. To our knowledge, no occurrence of c.662_663dupAC in individuals affected with WNT1-related conditions and no experimental evidence demonstrating its impact on protein function have been reported. Different downstream variants have been classified as Pathogenic/Likely Pathogenic (c.884C>A, p.Ser295* and c.1063G>T, p.Val355Phe), providing evidence that the region altered by the variant is critical to protein function. No submitters have cited clinical-significance assessments for this variant to ClinVar. Based on the evidence outlined above, the variant was classified as pathogenic.

NM_005430.4(WNT1):c.662_663dup (p.Gly222fs)

Gene: WNT1 (Wnt family member 1; plus strand). Cytogenetic location: 12q13.12.
Variant type: Duplication.
Coding change: c.662_663dup on transcript NM_005430.4 (MANE Select); coding-DNA positions 662 to 663, 2 bases duplicated (AC; older notation c.662_663dupAC).
Protein change: p.Gly222fs; shifts the reading frame from glycine 222.
Molecular consequence: frameshift variant.
Genome position (GRCh38, 1-based): chr12:48,981,189-48,981,190, AC duplicated; duplicating any 2 consecutive bases within chr12:48,981,188-48,981,190 gives the same sequence; the c. name uses the placement nearest the transcript's 3' end. VCF-style (leftmost placement, unchanged base first): chr12-48981187-C-CCA. GRCh37 (hg19) VCF-style: chr12-49374970-C-CCA.
Other names: c.662_663dupAC (NM_005430.4); short protein forms G222fs.
Identifiers: ClinVar variation 4887754 (VCV004887754.1).